The following is an entry in ClinVar:

ClinVar aggregate classification (germline): Uncertain significance (1 of 4 stars; one submission).

Conditions:
Brown-Vialetto-van Laere syndrome 1. Also called: BROWN-VIALETTO-VAN LAERE SYNDROME 1, MILD; BULBAR PALSY, PROGRESSIVE, WITH SENSORINEURAL DEAFNESS; PONTOBULBAR PALSY WITH DEAFNESS. Identifiers: Orphanet 572550, Orphanet 97229, MedGen C0796274, MONDO:0024537, OMIM 211530.

Allele frequency attached by ClinVar (database versions not stated): TOPMed below 0.00001; gnomAD exomes below 0.00001; gnomAD 0.00002.
gnomAD v4.1: 6 of 1,606,644 alleles (0.00037%); highest among the groups gnomAD compares: African/African-American, 0.0067%; no homozygotes.

Submission:

Labcorp Genetics (formerly Invitae), Labcorp
Classification: Uncertain significance for Brown-Vialetto-van Laere syndrome 1. Last evaluated: 2024-02-12. Review status: criteria provided, single submitter. Criteria: Invitae Variant Classification Sherloc (09022015). Collection method: clinical testing. Allele origin: germline.
Comment: This sequence change replaces leucine, which is neutral and non-polar, with valine, which is neutral and non-polar, at codon 445 of the SLC52A3 protein (p.Leu445Val). This variant is present in population databases (no rsID available, gnomAD 0.01%). This variant has not been reported in the literature in individuals affected with SLC52A3-related conditions. ClinVar contains an entry for this variant (Variation ID: 1383680). Algorithms developed to predict the effect of missense changes on protein structure and function output the following: SIFT: "Not Available"; PolyPhen-2: "Benign"; Align-GVGD: "Not Available". The valine amino acid residue is found in multiple mammalian species, which suggests that this missense change does not adversely affect protein function. In summary, the available evidence is currently insufficient to determine the role of this variant in disease. Therefore, it has been classified as a Variant of Uncertain Significance.

NM_033409.4(SLC52A3):c.1333C>G (p.Leu445Val)

Gene: SLC52A3 (solute carrier family 52 member 3; minus strand). Cytogenetic location: 20p13.
Variant type: single nucleotide variant.
Coding change: c.1333C>G on transcript NM_033409.4 (MANE Select); coding-DNA position 1333, C replaced by G.
Protein change: p.Leu445Val; replaces leucine 445 with valine.
Molecular consequence: missense variant.
Genome position (GRCh38, 1-based): chr20:761,103, G>C on the plus strand (C>G on the coding strand, the complement: SLC52A3 is on the minus strand). VCF-style: chr20-761103-G-C. GRCh37 (hg19) VCF-style: chr20-741747-G-C.
Other names: c.1333C>G, p.Leu445Val (NM_001370085.1, NM_001370086.1); short protein forms L445V.
Identifiers: ClinVar variation 1383680 (VCV001383680.6), dbSNP rs1431510759, ClinGen allele CA407961857.